The following is an entry in ClinVar:

NM_007294.4(BRCA1):c.5193+29G>C

Gene: BRCA1 (BRCA1 DNA repair associated; minus strand). Cytogenetic location: 17q21.31.
Variant type: single nucleotide variant.
Coding change: c.5193+29G>C on transcript NM_007294.4 (MANE Select); 29 bases into the intron after coding-DNA position 5193, G replaced by C.
Molecular consequence: intron variant.
Genome position (GRCh38, 1-based): chr17:43,063,304, C>G on the plus strand (G>C on the coding strand, the complement: BRCA1 is on the minus strand). VCF-style: chr17-43063304-C-G. GRCh37 (hg19) VCF-style: chr17-41215321-C-G.
Other names: c.4926+29G>C (NM_001407927.1, NM_001407931.1, NM_001407932.1 and 4 more transcripts); c.4929+29G>C (NM_001407923.1, NM_001407922.1, NM_001407925.1 and 4 more transcripts); c.5049+29G>C (NM_001407739.1, NM_001407741.1, NM_001407747.1 and 21 more transcripts); c.5052+29G>C (NM_001407725.1, NM_001407727.1, NM_001407724.1 and 13 more transcripts); c.1764+29G>C (NM_001408422.1, NM_001408423.1, NM_001408421.1 and 1 more transcripts); c.4980+29G>C (NM_001407896.1, NM_001407900.1, NM_001407571.1 and 12 more transcripts); c.4857+29G>C (NM_001407952.1, NM_001407950.1, NM_001407953.1 and 3 more transcripts); c.5046+29G>C (NM_001407841.1, NM_001407838.1, NM_001407848.1 and 12 more transcripts); and 72 more.
Identifiers: ClinVar variation 867491 (VCV000867491.3), dbSNP rs1239995634, ClinGen allele CA916079975.
Genomic context (GRCh38, chr17:43,063,304, plus strand): 5'-AGTGGTGCATTGATGGAAGGAAGCAAATACATTTTTAACTATATGACTGAATGAATATCT[C>G]TGGTTAGTTTGTAACATCAAGTACTTACCTCATTCAGCATTTTTCTTTCTTTAATAGACT-3'

Conditions:
Breast-ovarian cancer, familial, susceptibility to, 1 (BROVCA1). Also called: BRCA1 Hereditary Breast and Ovarian Cancer; OVARIAN CANCER, SUSCEPTIBILITY TO. Identifiers: Orphanet 145, MedGen C2676676, MONDO:0011450, OMIM 604370. Disease mechanism: loss of function.

Submission:

Brotman Baty Institute, University of Washington
No classification provided (evidence only). Condition: Breast-ovarian cancer, familial 1. Review status: no classification provided. Collection method: in vitro. Allele origin: not applicable. Functional consequence: functionally_normal.
ClinVar note: "not provided" was previously submitted as the classification for the variant. However, the classification appeared to be based only on an observation of functional data so it was converted to no classification on 2025-07-30.